The following is an entry in ClinVar:

ClinVar aggregate classification (germline): Uncertain significance (1 of 4 stars; one submission).

Conditions:
Hereditary pancreatitis (PCTT). Also called: Hereditary chronic pancreatitis; PRSS1-Related Hereditary Pancreatitis. Identifiers: Orphanet 676, MedGen C0238339, MONDO:0008185, OMIM 167800.

Submission:

Ambry Genetics
Classification: Uncertain significance for Hereditary pancreatitis. Last evaluated: 2023-03-30. Review status: criteria provided, single submitter. Criteria: Ambry Variant Classification Scheme 2023. Collection method: clinical testing. Allele origin: germline.
Comment: The p.L210H variant (also known as c.629T>A), located in coding exon 6 of the CPA1 gene, results from a T to A substitution at nucleotide position 629. The leucine at codon 210 is replaced by histidine, an amino acid with similar properties. This amino acid position is conserved. In addition, the in silico prediction for this alteration is inconclusive. Since supporting evidence is limited at this time, the clinical significance of this alteration remains unclear.

NM_001868.4(CPA1):c.629T>A (p.Leu210His)

Gene: CPA1 (carboxypeptidase A1; plus strand). Cytogenetic location: 7q32.2.
Variant type: single nucleotide variant.
Coding change: c.629T>A on transcript NM_001868.4 (MANE Select); coding-DNA position 629, T replaced by A.
Protein change: p.Leu210His; replaces leucine 210 with histidine.
Molecular consequence: missense variant.
Genome position (GRCh38, 1-based): chr7:130,383,727, T>A. VCF-style: chr7-130383727-T-A. GRCh37 (hg19) VCF-style: chr7-130023568-T-A.
Other names: short protein forms L210H.
Identifiers: ClinVar variation 2561599 (VCV002561599.2), dbSNP rs1554411580, ClinGen allele CA369282719.